The following is an entry in ClinVar:

NM_003114.5(SPAG1):c.742C>T (p.Arg248Ter)

Gene: SPAG1 (sperm associated antigen 1; plus strand). Cytogenetic location: 8q22.2.
Variant type: single nucleotide variant.
Coding change: c.742C>T on transcript NM_003114.5 (MANE Select); coding-DNA position 742, C replaced by T.
Protein change: p.Arg248Ter; replaces arginine 248 with a stop codon.
Molecular consequence: nonsense.
Genome position (GRCh38, 1-based): chr8:100,187,160, C>T. VCF-style: chr8-100187160-C-T. GRCh37 (hg19) VCF-style: chr8-101199388-C-T.
Other names: c.742C>T, p.Arg248Ter (NM_001374321.1, NM_172218.3); short protein forms R248*.
Identifiers: ClinVar variation 1323638 (VCV001323638.3), dbSNP rs770777381, ClinGen allele CA4827351.
Genomic context (GRCh38, chr8:100,187,160, plus strand): 5'-AGTAACTGTTTCTTTTCTAGGAGCATATCAGCGCTTCCCACTGTAGTTGCCTATAACAAT[C>T]GAGCTCAAGCAGAAATCAAATTACAGAACTGGAATAGTGCTTTTCAGGATTGTGAAAAGG-3'

ClinVar aggregate classification (germline): Pathogenic (1 of 4 stars; one submission).

Conditions:
Primary ciliary dyskinesia. Also called: Ciliary dyskinesia. Identifiers: Orphanet 244, MedGen C0008780, MONDO:0016575, HP:0012265.

Allele frequency attached by ClinVar (database versions not stated): ExAC 0.00002; gnomAD 0.00003 and 0.00004.
gnomAD v4.1: 16 of 1,612,422 alleles (0.00099%); highest among the groups gnomAD compares: African/African-American, 0.015%; no homozygotes.

Submission:

Ambry Genetics
Classification: Pathogenic for Primary ciliary dyskinesia. Last evaluated: 2021-10-04. Review status: criteria provided, single submitter. Criteria: Ambry Variant Classification Scheme 2023. Collection method: clinical testing. Allele origin: germline.
Comment: The p.R248* pathogenic mutation (also known as c.742C>T), located in coding exon 7 of the SPAG1 gene, results from a C to T substitution at nucleotide position 742. This changes the amino acid from an arginine to a stop codon within coding exon 7. This alteration is expected to result in loss of function by premature protein truncation or nonsense-mediated mRNA decay. As such, this alteration is interpreted as a disease-causing mutation.